The following is an entry in ClinVar:

NM_199420.4(POLQ):c.847T>C (p.Tyr283His)

Gene: POLQ (DNA polymerase theta; minus strand). Cytogenetic location: 3q13.33.
Variant type: single nucleotide variant.
Coding change: c.847T>C on transcript NM_199420.4 (MANE Select); coding-DNA position 847, T replaced by C.
Protein change: p.Tyr283His; replaces tyrosine 283 with histidine.
Molecular consequence: missense variant.
Genome position (GRCh38, 1-based): chr3:121,533,103, A>G on the plus strand (T>C on the coding strand, the complement: POLQ is on the minus strand). VCF-style: chr3-121533103-A-G. GRCh37 (hg19) VCF-style: chr3-121251950-A-G.
Other names: short protein forms Y283H.
Identifiers: ClinVar variation 2561747 (VCV002561747.2), dbSNP rs2546819111, ClinGen allele CA354126371.

ClinVar aggregate classification (germline): Uncertain significance (1 of 4 stars; one submission).

Allele frequency attached by ClinVar (database versions not stated): gnomAD exomes below 0.00001.
gnomAD v4.1: 1 of 1,613,900 alleles (0.000062%); highest among the groups gnomAD compares: Non-Finnish European, 0.000085%; no homozygotes.

Submission:

Ambry Genetics
Classification: Uncertain significance. Last evaluated: 2023-04-23. Review status: criteria provided, single submitter. Criteria: Ambry Variant Classification Scheme 2023. Collection method: clinical testing. Allele origin: germline.
Comment: The p.Y283H variant (also known as c.847T>C), located in coding exon 6 of the POLQ gene, results from a T to C substitution at nucleotide position 847. The tyrosine at codon 283 is replaced by histidine, an amino acid with similar properties. This amino acid position is conserved. In addition, the in silico prediction for this alteration is inconclusive. Since supporting evidence is limited at this time, the clinical significance of this alteration remains unclear.